The following is an entry in ClinVar:

ClinVar aggregate classification (germline): Likely pathogenic (1 of 4 stars; one submission).

Allele frequency attached by ClinVar (database versions not stated): TOPMed below 0.00001 and 0.00001; gnomAD exomes below 0.00001.
gnomAD v4.1: 2 of 1,608,512 alleles (0.00012%); highest among the groups gnomAD compares: Non-Finnish European, 0.00017%; no homozygotes.

Submission:

GeneDx
Classification: Likely pathogenic. Last evaluated: 2018-09-05. Review status: criteria provided, single submitter. Criteria: GeneDx Variant Classification (06012015). Collection method: clinical testing. Allele origin: germline. Affected: yes.
Comment: The A253P variant in the LIAS gene has not been reported previously as a pathogenic variant, nor as a benign variant, to our knowledge. The A253P variant was not observed in approximately 6,500 individuals of European and African American ancestry in the NHLBI Exome Sequencing Project, indicating it is not a common benign variant in these populations. The A253P variant is a semi-conservative amino acid substitution, which may impact secondary protein structure as these residues differ in some properties. This substitution occurs at a position that is conserved across species. In silico analysis predicts this variant is probably damaging to the protein structure/function. The A253P variant is a strong candidate for a pathogenic variant, however the possibility it may be a rare benign variant cannot be excluded.

NM_006859.4(LIAS):c.757G>C (p.Ala253Pro)

Gene: LIAS (lipoic acid synthetase; plus strand). Cytogenetic location: 4p14.
Variant type: single nucleotide variant.
Coding change: c.757G>C on transcript NM_006859.4 (MANE Select); coding-DNA position 757, G replaced by C.
Protein change: p.Ala253Pro; replaces alanine 253 with proline.
Molecular consequence: missense variant.
Genome position (GRCh38, 1-based): chr4:39,470,038, G>C. VCF-style: chr4-39470038-G-C. GRCh37 (hg19) VCF-style: chr4-39471658-G-C.
Other names: c.628G>C, p.Ala210Pro (NM_001278590.2); c.448G>C, p.Ala150Pro (NM_001363700.2); c.757G>C, p.Ala253Pro (NM_194451.3); short protein forms A253P, A210P, A150P.
Identifiers: ClinVar variation 393113 (VCV000393113.2), dbSNP rs961150638, ClinGen allele CA16605102.